The following is an entry in ClinVar:

NM_015215.4(CAMTA1):c.3404G>A (p.Arg1135Gln)

Gene: CAMTA1 (calmodulin binding transcription activator 1; plus strand). Cytogenetic location: 1p36.23.
Variant type: single nucleotide variant.
Coding change: c.3404G>A on transcript NM_015215.4 (MANE Select); coding-DNA position 3404, G replaced by A.
Protein change: p.Arg1135Gln; replaces arginine 1135 with glutamine.
Molecular consequence: missense variant.
Genome position (GRCh38, 1-based): chr1:7,737,316, G>A. VCF-style: chr1-7737316-G-A. GRCh37 (hg19) VCF-style: chr1-7797376-G-A.
Other names: c.3332G>A, p.Arg1111Gln (NM_001410738.1); c.3314G>A, p.Arg1105Gln (NM_001349608.2, NM_001349612.2); c.3404G>A, p.Arg1135Gln (NM_001349609.2, NM_001349610.2, NM_001410737.1); c.533G>A, p.Arg178Gln (NM_001349613.1); c.476G>A, p.Arg159Gln (NM_001349614.1, NM_001349615.2, NM_001349616.2 and 10 more transcripts); short protein forms R1105Q, R1111Q, R1135Q, R159Q, R178Q.
Identifiers: ClinVar variation 2638139 (VCV002638139.24), dbSNP rs751794618, ClinGen allele CA566950.

ClinVar aggregate classification (germline): Uncertain significance (1 of 4 stars; one submission).

Allele frequency attached by ClinVar (database versions not stated): gnomAD 0.00001; gnomAD exomes 0.00001; ExAC 0.00002.
gnomAD v4.1: 11 of 1,614,036 alleles (0.00068%); highest among the groups gnomAD compares: South Asian, 0.0055%; 1 homozygote.

Submission:

CeGaT Center for Human Genetics Tuebingen
Classification: Uncertain significance. Last evaluated: 2023-06-01. Review status: criteria provided, single submitter. Criteria: CeGaT Center For Human Genetics Tuebingen Variant Classification Criteria Version 2. Collection method: clinical testing. Allele origin: germline. Affected: yes. Observed: 1 variant allele.
Comment: CAMTA1: PP2